The following is an entry in ClinVar:

NM_003482.4(KMT2D):c.878C>T (p.Thr293Met)

Gene: KMT2D (lysine methyltransferase 2D; minus strand). Cytogenetic location: 12q13.12.
Variant type: single nucleotide variant.
Coding change: c.878C>T on transcript NM_003482.4 (MANE Select); coding-DNA position 878, C replaced by T.
Protein change: p.Thr293Met; replaces threonine 293 with methionine.
Molecular consequence: missense variant.
Genome position (GRCh38, 1-based): chr12:49,053,283, G>A on the plus strand (C>T on the coding strand, the complement: KMT2D is on the minus strand). VCF-style: chr12-49053283-G-A. GRCh37 (hg19) VCF-style: chr12-49447066-G-A.
Other names: c.878C>T (NM_003482.3); short protein forms T293M.
Identifiers: ClinVar variation 198493 (VCV000198493.11), dbSNP rs794727860, ClinGen allele CA247172.

ClinVar aggregate classification (germline): Conflicting classifications of pathogenicity. Review status: criteria provided, conflicting classifications (1 of 4 stars). 4 submissions from 4 submitters: Uncertain significance (2); Likely benign (2). Last evaluated 2026-01-05.

Conditions:
KMT2D-related disorder. Also called: KMT2D-Related Disorders.
Inborn genetic diseases. Identifiers: MedGen C0950123, MeSH D030342.
Kabuki syndrome. Also called: Kabuki make-up syndrome; NIIKAWA-KUROKI SYNDROME. Identifiers: Orphanet 2322, MedGen C0796004, MONDO:0016512.

Allele frequency attached by ClinVar (database versions not stated): gnomAD 0.00001; gnomAD exomes 0.00001; TOPMed 0.00001.

Submissions (4):

Labcorp Genetics (formerly Invitae), Labcorp
Classification: Likely benign for Kabuki syndrome. Last evaluated: 2026-01-05. Review status: criteria provided, single submitter. Criteria: Invitae Variant Classification Sherloc (09022015). Collection method: clinical testing. Allele origin: germline.

PreventionGenetics, part of Exact Sciences
Classification: Likely benign for KMT2D-related condition. Last evaluated: 2025-12-18. Review status: criteria provided, single submitter. Criteria: ACMG Guidelines, 2015. Collection method: clinical testing. Allele origin: germline.
Comment: This variant is classified as likely benign based on ACMG/AMP sequence variant interpretation guidelines (Richards et al. 2015 PMID: 25741868, with internal and published modifications).

Ambry Genetics
Classification: Uncertain significance for Inborn genetic diseases. Last evaluated: 2024-06-17. Review status: criteria provided, single submitter. Criteria: Ambry Variant Classification Scheme 2023. Collection method: clinical testing. Allele origin: germline.

Eurofins Ntd Llc (ga)
Classification: Uncertain significance. Last evaluated: 2015-04-13. Review status: criteria provided, single submitter. Criteria: EGL Classification Definitions 2015. Collection method: clinical testing. Allele origin: germline. Observed: 1 variant allele, 1 heterozygote.